The following is an entry in ClinVar:

NM_000218.3(KCNQ1):c.1514+11010C>T

Genes: KCNQ1 (potassium voltage-gated channel subfamily Q member 1; plus strand), KCNQ1OT1 (KCNQ1 opposite strand/antisense transcript 1; minus strand). Cytogenetic location: 11p15.5.
Variant type: single nucleotide variant.
Coding change: c.1514+11010C>T on transcript NM_000218.3 (MANE Select); 11010 bases into the intron after coding-DNA position 1514, C replaced by T.
Molecular consequence: intron variant.
Genome position (GRCh38, 1-based): chr11:2,673,091, C>T. VCF-style: chr11-2673091-C-T. GRCh37 (hg19) VCF-style: chr11-2694321-C-T.
Other names: c.1244+11010C>T (NM_001406837.1); c.1418+11010C>T (NM_001406836.1); c.974+11010C>T (NM_001406838.1); c.1133+11010C>T (NM_181798.2); c.1514+11010C>T (NM_000218.2).
Identifiers: ClinVar variation 2578644 (VCV002578644.26), dbSNP rs184731749, ClinGen allele CA216179045.
Genomic context (GRCh38, chr11:2,673,091, plus strand): 5'-GGTCTAGGGCTGGCCAAAAGGGACAGTGAAGTTGGCTTCTCAGGCCACAGTAGGCCTTCA[C>T]GGTACTCAGCAGGAGACCCCAGCAGGCAGCATCAGGGCAGGGGTGCTGACCATCCCTGAC-3'

ClinVar aggregate classification (germline): Benign. Review status: criteria provided, single submitter (1 of 4 stars). 2 submissions from 2 submitters: Benign (1). 1 of the submissions does not count toward it. Last evaluated 2025-08-01.

Conditions:
KCNQ1-related disorder. Also called: KCNQ1-related condition; KCNQ1-related disorders. Identifiers: MedGen CN239322.

Allele frequency attached by ClinVar (database versions not stated): 1000 Genomes Project 30x 0.00109; 1000 Genomes Project 0.00140; TOPMed 0.00153; gnomAD exomes 0.00161.
gnomAD v4.1: 610 of 398,866 alleles (0.15%); highest among the groups gnomAD compares: Admixed American, 0.28%; 2 homozygotes.

Submissions (2):

CeGaT Center for Human Genetics Tuebingen
Classification: Benign. Last evaluated: 2025-08-01. Review status: criteria provided, single submitter. Criteria: CeGaT Center For Human Genetics Tuebingen Variant Classification Criteria Version 2. Collection method: clinical testing. Allele origin: germline. Affected: yes. Observed: 16 variant alleles.
Comment: KCNQ1OT1: BS1, BS2

PreventionGenetics, part of Exact Sciences
Classification: Likely benign for KCNQ1-related condition. Last evaluated: 2023-04-25. Review status: no assertion criteria provided. Collection method: clinical testing. Allele origin: germline. Not counted in ClinVar's aggregate classification.
Comment: This variant is classified as likely benign based on ACMG/AMP sequence variant interpretation guidelines (Richards et al. 2015 PMID: 25741868, with internal and published modifications).